The following is an entry in ClinVar:

NM_000492.4(CFTR):c.502_503del (p.Ser168fs)

Gene: CFTR (CF transmembrane conductance regulator; plus strand). Cytogenetic location: 7q31.2.
Variant type: Deletion.
Coding change: c.502_503del on transcript NM_000492.4 (MANE Select); coding-DNA positions 502 to 503, 2 bases deleted (TC; older notation c.502_503delTC).
Protein change: p.Ser168fs; shifts the reading frame from serine 168.
Molecular consequence: frameshift variant.
Genome position (GRCh38, 1-based): chr7:117,534,288-117,534,289, TC deleted. VCF-style (leftmost placement, unchanged base first): chr7-117534287-GTC-G. GRCh37 (hg19) VCF-style: chr7-117174341-GTC-G.
Other names: short protein forms S168fs.
Identifiers: ClinVar variation 1724047 (VCV001724047.2), dbSNP rs2485014160, ClinGen allele CA2580076332.

ClinVar aggregate classification (germline): Likely pathogenic (1 of 4 stars; one submission).

Conditions:
Cystic fibrosis (CF). Also called: MUCOVISCIDOSIS. Identifiers: Orphanet 586, MedGen C0010674, MONDO:0009061, OMIM 219700. Disease mechanism: loss of function.

Submission:

Myriad Genetics, Inc.
Classification: Likely pathogenic for Cystic fibrosis. Last evaluated: 2022-01-24. Review status: criteria provided, single submitter. Criteria: Myriad Women's Health Autosomal Recessive and X-Linked Classification Criteria (2021). Collection method: clinical testing. Allele origin: unknown.
Comment: NM_000492.3(CFTR):c.502_503delTC(S168Kfs*6) is expected to be pathogenic in the context of cystic fibrosis. This variant is predicted to lead to an abnormal or absent protein product due to the creation of a premature termination codon in CFTR, a gene where loss-of-function variants are known to be pathogenic. Please note: this variant was assessed in the context of healthy population screening.